The following is an entry in ClinVar:

NM_002775.5(HTRA1):c.470A>G (p.Gln157Arg)

Gene: HTRA1 (HtrA serine peptidase 1; plus strand). Cytogenetic location: 10q26.13.
Variant type: single nucleotide variant.
Coding change: c.470A>G on transcript NM_002775.5 (MANE Select); coding-DNA position 470, A replaced by G.
Protein change: p.Gln157Arg; replaces glutamine 157 with arginine.
Molecular consequence: missense variant.
Genome position (GRCh38, 1-based): chr10:122,462,122, A>G. VCF-style: chr10-122462122-A-G. GRCh37 (hg19) VCF-style: chr10-124221638-A-G.
Other names: short protein forms Q157R.
Identifiers: ClinVar variation 1986629 (VCV001986629.4), dbSNP rs907597851, ClinGen allele CA214415502.

ClinVar aggregate classification (germline): Uncertain significance (1 of 4 stars; one submission).

Allele frequency attached by ClinVar (database versions not stated): gnomAD exomes below 0.00001; TOPMed below 0.00001.
gnomAD v4.1: 3 of 1,532,298 alleles (0.0002%); highest among the groups gnomAD compares: Middle Eastern, 0.018%; no homozygotes.

Submission:

Labcorp Genetics (formerly Invitae), Labcorp
Classification: Uncertain significance. Last evaluated: 2026-01-05. Review status: criteria provided, single submitter. Criteria: Invitae Variant Classification Sherloc (09022015). Collection method: clinical testing. Allele origin: germline.
Comment: This sequence change replaces glutamine, which is neutral and polar, with arginine, which is basic and polar, at codon 157 of the HTRA1 protein (p.Gln157Arg). This variant is not present in population databases (gnomAD no frequency). This variant has not been reported in the literature in individuals affected with HTRA1-related conditions. ClinVar contains an entry for this variant (Variation ID: 1986629). Invitae Evidence Modeling of protein sequence and biophysical properties (such as structural, functional, and spatial information, amino acid conservation, physicochemical variation, residue mobility, and thermodynamic stability) indicates that this missense variant is not expected to disrupt HTRA1 protein function with a negative predictive value of 95%. In summary, the available evidence is currently insufficient to determine the role of this variant in disease. Therefore, it has been classified as a Variant of Uncertain Significance.